The following is an entry in ClinVar:

NM_006244.4(PPP2R5B):c.373G>C (p.Val125Leu)

Gene: PPP2R5B (protein phosphatase 2 regulatory subunit B'beta; plus strand). Cytogenetic location: 11q13.1.
Variant type: single nucleotide variant.
Coding change: c.373G>C on transcript NM_006244.4 (MANE Select); coding-DNA position 373, G replaced by C.
Protein change: p.Val125Leu; replaces valine 125 with leucine.
Molecular consequence: missense variant.
Genome position (GRCh38, 1-based): chr11:64,926,885, G>C. VCF-style: chr11-64926885-G-C. GRCh37 (hg19) VCF-style: chr11-64694357-G-C.
Other names: short protein forms V125L.
Identifiers: ClinVar variation 2055431 (VCV002055431.4), dbSNP rs765412987, ClinGen allele CA381199174.
Genomic context (GRCh38, chr11:64,926,885, plus strand): 5'-GCAGCCCTCAACGAGCTGGTGGAGTGTGTGGGGAGCACCCGGGGTGTCCTCATCGAGCCC[G>C]TCTACCCAGACATCATCCGCATGGTGAGCACCTGCCACCCAGGCTCCGAGGGCCGGCCGA-3'
Protein context (NP_006235.1, residues 115-135): GSTRGVLIEP[Val125Leu]YPDIIRMISV

ClinVar aggregate classification (germline): Uncertain significance (1 of 4 stars; one submission).

Submission:

Labcorp Genetics (formerly Invitae), Labcorp
Classification: Uncertain significance. Last evaluated: 2023-12-07. Review status: criteria provided, single submitter. Criteria: Invitae Variant Classification Sherloc (09022015). Collection method: clinical testing. Allele origin: germline.
Comment: This sequence change replaces valine, which is neutral and non-polar, with leucine, which is neutral and non-polar, at codon 125 of the PPP2R5B protein (p.Val125Leu). This variant is not present in population databases (gnomAD no frequency). This variant has not been reported in the literature in individuals affected with PPP2R5B-related conditions. ClinVar contains an entry for this variant (Variation ID: 2055431). Advanced modeling of protein sequence and biophysical properties (such as structural, functional, and spatial information, amino acid conservation, physicochemical variation, residue mobility, and thermodynamic stability) performed at Invitae indicates that this missense variant is not expected to disrupt PPP2R5B protein function with a negative predictive value of 80%. In summary, the available evidence is currently insufficient to determine the role of this variant in disease. Therefore, it has been classified as a Variant of Uncertain Significance.